The following is an entry in ClinVar:

ClinVar aggregate classification (germline): Uncertain significance (1 of 4 stars; one submission).

gnomAD v4.1: 3 of 1,614,010 alleles (0.00019%); highest among the groups gnomAD compares: South Asian, 0.0011%; no homozygotes.

Submission:

Labcorp Genetics (formerly Invitae), Labcorp
Classification: Uncertain significance. Last evaluated: 2023-12-02. Review status: criteria provided, single submitter. Criteria: Invitae Variant Classification Sherloc (09022015). Collection method: clinical testing. Allele origin: germline.
Comment: This sequence change replaces proline, which is neutral and non-polar, with histidine, which is basic and polar, at codon 312 of the SERPING1 protein (p.Pro312His). This variant is present in population databases (rs777831305, gnomAD 0.003%). This variant has not been reported in the literature in individuals affected with SERPING1-related conditions. Advanced modeling of protein sequence and biophysical properties (such as structural, functional, and spatial information, amino acid conservation, physicochemical variation, residue mobility, and thermodynamic stability) performed at Invitae indicates that this missense variant is expected to disrupt SERPING1 protein function with a positive predictive value of 80%. In summary, the available evidence is currently insufficient to determine the role of this variant in disease. Therefore, it has been classified as a Variant of Uncertain Significance.

NM_000062.3(SERPING1):c.935C>A (p.Pro312His)

Gene: SERPING1 (serpin family G member 1; plus strand). Cytogenetic location: 11q12.1.
Variant type: single nucleotide variant.
Coding change: c.935C>A on transcript NM_000062.3 (MANE Select); coding-DNA position 935, C replaced by A.
Protein change: p.Pro312His; replaces proline 312 with histidine.
Molecular consequence: missense variant.
Genome position (GRCh38, 1-based): chr11:57,606,453, C>A. VCF-style: chr11-57606453-C-A. GRCh37 (hg19) VCF-style: chr11-57373926-C-A.
Other names: c.935C>A, p.Pro312His (NM_001032295.2); short protein forms P312H.
Identifiers: ClinVar variation 2993101 (VCV002993101.3), dbSNP rs777831305, ClinGen allele CA6008166.